The following is an entry in ClinVar:

NM_205834.4(LSR):c.8T>A (p.Leu3Gln)

Gene: LSR (lipolysis stimulated lipoprotein receptor; plus strand). Cytogenetic location: 19q13.12.
Variant type: single nucleotide variant.
Coding change: c.8T>A on transcript NM_205834.4 (MANE Select); coding-DNA position 8, T replaced by A.
Protein change: p.Leu3Gln; replaces leucine 3 with glutamine.
Molecular consequence: missense variant.
Genome position (GRCh38, 1-based): chr19:35,249,030, T>A. VCF-style: chr19-35249030-T-A. GRCh37 (hg19) VCF-style: chr19-35739933-T-A.
Other names: c.8T>A, p.Leu3Gln (NM_001260489.2, NM_001260490.2, NM_001385215.1 and 2 more transcripts); short protein forms L3Q.
Identifiers: ClinVar variation 2878536 (VCV002878536.3), dbSNP rs977545217, ClinGen allele CA405285403.

ClinVar aggregate classification (germline): Uncertain significance (1 of 4 stars; one submission).

gnomAD v4.1: 3 of 1,601,524 alleles (0.00019%); highest among the groups gnomAD compares: Non-Finnish European, 0.00017%; no homozygotes.

Submission:

Labcorp Genetics (formerly Invitae), Labcorp
Classification: Uncertain significance. Last evaluated: 2023-01-19. Review status: criteria provided, single submitter. Criteria: Invitae Variant Classification Sherloc (09022015). Collection method: clinical testing. Allele origin: germline.
Comment: In summary, the available evidence is currently insufficient to determine the role of this variant in disease. Therefore, it has been classified as a Variant of Uncertain Significance. Algorithms developed to predict the effect of missense changes on protein structure and function (SIFT, PolyPhen-2, Align-GVGD) all suggest that this variant is likely to be tolerated. This variant has not been reported in the literature in individuals affected with LSR-related conditions. This variant is not present in population databases (gnomAD no frequency). This sequence change replaces leucine, which is neutral and non-polar, with glutamine, which is neutral and polar, at codon 51 of the LSR protein (p.Leu51Gln).